The following is an entry in ClinVar:

ClinVar aggregate classification (germline): Likely benign. Review status: criteria provided, multiple submitters, no conflicts (2 of 4 stars). 4 submissions from 4 submitters: Likely benign (3). 1 of the submissions does not count toward it. Last evaluated 2025-10-27.

Conditions:
SEPTIN9-related disorder. Also called: SEPTIN9-related condition.

Allele frequency attached by ClinVar (database versions not stated): gnomAD exomes 0.00010 and 0.00016; gnomAD 0.00011 and 0.00014; ExAC 0.00012; TOPMed 0.00015; 1000 Genomes Project 30x 0.00016; 1000 Genomes Project 0.00020.
gnomAD v4.1: 178 of 1,613,580 alleles (0.011%); highest among the groups gnomAD compares: Middle Eastern, 0.13%; 1 homozygote.

Submissions (4):

Labcorp Genetics (formerly Invitae), Labcorp
Classification: Likely benign. Last evaluated: 2025-10-27. Review status: criteria provided, single submitter. Criteria: Invitae Variant Classification Sherloc (09022015). Collection method: clinical testing. Allele origin: germline.

Blueprint Genetics
Classification: Likely benign. Last evaluated: 2024-10-23. Review status: criteria provided, single submitter. Criteria: ACMG Guidelines, 2015. Collection method: clinical testing. Allele origin: germline.

Breakthrough Genomics
Classification: Likely benign. Review status: criteria provided, single submitter. Criteria: ACMG Guidelines, 2015. Collection method: not provided. Allele origin: germline. Inheritance: Autosomal dominant inheritance. Affected: yes.

PreventionGenetics, part of Exact Sciences
Classification: Likely benign for SEPTIN9-related condition. Last evaluated: 2019-09-13. Review status: no assertion criteria provided. Collection method: clinical testing. Allele origin: germline. Not counted in ClinVar's aggregate classification.
Comment: This variant is classified as likely benign based on ACMG/AMP sequence variant interpretation guidelines (Richards et al. 2015 PMID: 25741868, with internal and published modifications).

NM_001113491.2(SEPTIN9):c.1473C>T (p.Phe491=)

Gene: SEPTIN9 (septin 9; plus strand). Cytogenetic location: 17q25.3.
Variant type: single nucleotide variant.
Coding change: c.1473C>T on transcript NM_001113491.2 (MANE Select); coding-DNA position 1473, C replaced by T.
Protein change: p.Phe491=; no amino-acid change (phenylalanine 491 retained).
Molecular consequence: synonymous variant.
Genome position (GRCh38, 1-based): chr17:77,492,713, C>T. VCF-style: chr17-77492713-C-T. GRCh37 (hg19) VCF-style: chr17-75488795-C-T.
Other names: c.1473C>T (NM_001113491.1); c.981C>T, p.Phe327= (NM_001113492.2, NM_001113494.1); c.1452C>T, p.Phe484= (NM_001113493.2); c.720C>T, p.Phe240= (NM_001113495.2, NM_001113496.2, NM_001293697.2 and 1 more transcripts); c.1416C>T, p.Phe472= (NM_001293695.2); c.801C>T, p.Phe267= (NM_001293696.2); c.1419C>T, p.Phe473= (NM_006640.5).
Identifiers: ClinVar variation 747174 (VCV000747174.12), dbSNP rs200274444, ClinGen allele CA8793806.